The following is an entry in ClinVar:

ClinVar aggregate classification (germline): Uncertain significance (1 of 4 stars; one submission).

Submission:

Women's Health and Genetics/Laboratory Corporation of America, LabCorp
Classification: Uncertain significance. Last evaluated: 2022-03-09. Review status: criteria provided, single submitter. Criteria: LabCorp Variant Classification Summary - May 2015. Collection method: clinical testing. Allele origin: germline.
Comment: Variant summary: The variant identified by MLPA or other technology involves the duplication of exons 1-13 (whole gene) in the CERS3 gene. A presumed nomenclature of c.(?_-425)_(*2319_?)dup has been designated for the purposes of this classification. It has been assumed that this is a tandem duplication in direct orientation (Richardson_GIM_2018, Newman_AJHG_2015). Although exact breakpoints of this duplication are not known, it is expected to result in a duplication of the full coding sequence of the CERS3 gene. The variant was absent in 21694 control chromosomes (gnomAD SVs, Structural Variants dataset). The available data on variant occurrences in the general population are insufficient to allow any conclusion about variant significance. To our knowledge, no occurrence of c.(?_-425)_(*2319_?)dup in individuals affected with Lamellar Ichthyosis and no experimental evidence demonstrating its impact on protein function have been reported. One ClinVar submitter (evaluation after 2014) cites the variant as uncertain significance. Based on the evidence outlined above, the variant was classified as uncertain significance.

NC_000015.9:g.(?_100940599)_(101084926_?)dup

Gene: CERS3 (ceramide synthase 3; minus strand). Cytogenetic location: 15q26.3.
Variant type: Duplication.
Identifiers: ClinVar variation 1677076 (VCV001677076.1).